The following is an entry in ClinVar:

NM_001283009.2(RTEL1):c.2017G>A (p.Gly673Arg)

Genes: RTEL1 (regulator of telomere elongation helicase 1; plus strand), RTEL1-TNFRSF6B (RTEL1-TNFRSF6B readthrough (NMD candidate); plus strand). Cytogenetic location: 20q13.33.
Variant type: single nucleotide variant.
Coding change: c.2017G>A on transcript NM_001283009.2 (MANE Select); coding-DNA position 2017, G replaced by A.
Protein change: p.Gly673Arg; replaces glycine 673 with arginine.
Molecular consequence: missense variant. On other transcripts: non-coding transcript variant (1).
Genome position (GRCh38, 1-based): chr20:63,689,640, G>A. VCF-style: chr20-63689640-G-A. GRCh37 (hg19) VCF-style: chr20-62320993-G-A.
Other names: c.1348G>A, p.Gly450Arg (NM_001283010.1); c.2017G>A, p.Gly673Arg (NM_016434.4); c.2089G>A, p.Gly697Arg (NM_032957.5); c.2089G>A (NM_032957.4); short protein forms G450R, G673R, G697R.
Identifiers: ClinVar variation 2182624 (VCV002182624.5), dbSNP rs2090677960, ClinGen allele CA409678946.
Genomic context (GRCh38, chr20:63,689,640, plus strand): 5'-GACCCCCGGGTTGTCCTCAAGATGCAGTTCCTGGATGAGATGAAGGGCCAGGGTGGGGCT[G>A]GGGGCCAGGTGAGTTACAGCAGGGTGGGGCTGGGGTAAGGCGGTCTGGTGACTGAGCCCC-3'
Protein context (NP_001269938.1, residues 663-683): LDEMKGQGGA[Gly673Arg]GQFLSGQEWY

ClinVar aggregate classification (germline): Uncertain significance. Review status: criteria provided, multiple submitters, no conflicts (2 of 4 stars). 3 submissions from 3 submitters: Uncertain significance (2). 1 of the submissions does not count toward it. Last evaluated 2025-02-16.

Conditions:
Dyskeratosis congenita, autosomal recessive 5 (DKCB5). Identifiers: MedGen C3554656, MONDO:0014076, OMIM 615190.
Pulmonary fibrosis and/or bone marrow failure, Telomere-related, 3. Also called: PULMONARY FIBROSIS AND/OR BONE MARROW FAILURE SYNDROME, TELOMERE-RELATED, 3. Identifiers: Orphanet 2032, MedGen C4225346, MONDO:0014613, OMIM 616373.
Inborn genetic diseases. Identifiers: MedGen C0950123, MeSH D030342.
Dyskeratosis congenita. Identifiers: Orphanet 1775, MedGen C0265965, MONDO:0015780.

Allele frequency attached by ClinVar (database versions not stated): gnomAD exomes below 0.00001; TOPMed below 0.00001.
gnomAD v4.1: 2 of 1,607,540 alleles (0.00012%); highest among the groups gnomAD compares: Non-Finnish European, 0.000085%; no homozygotes.

Submissions (3):

Ambry Genetics
Classification: Uncertain significance for Inborn genetic diseases. Last evaluated: 2025-02-16. Review status: criteria provided, single submitter. Criteria: Ambry Variant Classification Scheme 2023. Collection method: clinical testing. Allele origin: germline.
Comment: The p.G673R variant (also known as c.2017G>A), located in coding exon 22 of the RTEL1 gene, results from a G to A substitution at nucleotide position 2017. The glycine at codon 673 is replaced by arginine, an amino acid with dissimilar properties. This amino acid position is conserved. In addition, this alteration is predicted to be tolerated by in silico analysis. Based on the available evidence, the clinical significance of this variant remains unclear.

Labcorp Genetics (formerly Invitae), Labcorp
Classification: Uncertain significance for Dyskeratosis congenita, autosomal recessive 5; Pulmonary fibrosis and/or bone marrow failure, Telomere-related, 3. Last evaluated: 2024-06-24. Review status: criteria provided, single submitter. Criteria: Invitae Variant Classification Sherloc (09022015). Collection method: clinical testing. Allele origin: germline.
Comment: This sequence change replaces glycine, which is neutral and non-polar, with arginine, which is basic and polar, at codon 673 of the RTEL1 protein (p.Gly673Arg). This variant is not present in population databases (gnomAD no frequency). This variant has not been reported in the literature in individuals affected with RTEL1-related conditions. ClinVar contains an entry for this variant (Variation ID: 2182624). Algorithms developed to predict the effect of missense changes on protein structure and function output the following: SIFT: "Not Available"; PolyPhen-2: "Benign"; Align-GVGD: "Not Available". The arginine amino acid residue is found in multiple mammalian species, which suggests that this missense change does not adversely affect protein function. In summary, the available evidence is currently insufficient to determine the role of this variant in disease. Therefore, it has been classified as a Variant of Uncertain Significance.

Natera, Inc.
Classification: Uncertain significance for Dyskeratosis congenita. Last evaluated: 2025-04-09. Review status: no assertion criteria provided. Collection method: clinical testing. Allele origin: germline. Not counted in ClinVar's aggregate classification.